The following is an entry in ClinVar:

NM_033087.4(ALG2):c.519C>G (p.Ile173Met)

Gene: ALG2 (ALG2 alpha-1,3/1,6-mannosyltransferase; minus strand). Cytogenetic location: 9q22.33.
Variant type: single nucleotide variant.
Coding change: c.519C>G on transcript NM_033087.4 (MANE Select); coding-DNA position 519, C replaced by G.
Protein change: p.Ile173Met; replaces isoleucine 173 with methionine.
Molecular consequence: missense variant. On other transcripts: non-coding transcript variant (1).
Genome position (GRCh38, 1-based): chr9:99,218,666, G>C on the plus strand (C>G on the coding strand, the complement: ALG2 is on the minus strand). VCF-style: chr9-99218666-G-C. GRCh37 (hg19) VCF-style: chr9-101980948-G-C.
Other names: short protein forms I173M.
Identifiers: ClinVar variation 941257 (VCV000941257.9), dbSNP rs1372608210, ClinGen allele CA374229030.

ClinVar aggregate classification (germline): Uncertain significance (1 of 4 stars; one submission).

Conditions:
Congenital myasthenic syndrome 14. Also called: Myasthenic syndrome, congenital, 14, with tubular aggregates. Identifiers: Orphanet 353327, Orphanet 590, MedGen C4015597, MONDO:0014543, OMIM 616228.
Congenital disorder of glycosylation, type Ii. Also called: CDG Ii; ALG2-congenital disorder of glycosylation; ALG2-CDG. Identifiers: Orphanet 79326, MedGen C1842836, MONDO:0011933, OMIM 607906.

Allele frequency attached by ClinVar (database versions not stated): gnomAD exomes below 0.00001.

Submission:

Labcorp Genetics (formerly Invitae), Labcorp
Classification: Uncertain significance for Congenital disorder of glycosylation, type Ii; Congenital myasthenic syndrome 14. Last evaluated: 2019-06-07. Review status: criteria provided, single submitter. Criteria: Invitae Variant Classification Sherloc (09022015). Collection method: clinical testing. Allele origin: germline.
Comment: In summary, the available evidence is currently insufficient to determine the role of this variant in disease. Therefore, it has been classified as a Variant of Uncertain Significance. Algorithms developed to predict the effect of missense changes on protein structure and function are either unavailable or do not agree on the potential impact of this missense change (SIFT: "Deleterious"; PolyPhen-2: "Probably Damaging"; Align-GVGD: "Class C0"). This variant has not been reported in the literature in individuals with ALG2-related conditions. This variant is not present in population databases (ExAC no frequency). This sequence change replaces isoleucine with methionine at codon 173 of the ALG2 protein (p.Ile173Met). The isoleucine residue is highly conserved and there is a small physicochemical difference between isoleucine and methionine.